The following is an entry in ClinVar:

ClinVar aggregate classification (germline): Uncertain significance (1 of 4 stars; one submission).

gnomAD v4.1: 13 of 1,607,252 alleles (0.00081%); highest among the groups gnomAD compares: South Asian, 0.0011%; no homozygotes.

Submission:

Labcorp Genetics (formerly Invitae), Labcorp
Classification: Uncertain significance. Last evaluated: 2022-06-10. Review status: criteria provided, single submitter. Criteria: Invitae Variant Classification Sherloc (09022015). Collection method: clinical testing. Allele origin: germline.
Comment: This sequence change replaces arginine, which is basic and polar, with leucine, which is neutral and non-polar, at codon 428 of the TIMM50 protein (p.Arg428Leu). This variant is not present in population databases (gnomAD no frequency). This variant has not been reported in the literature in individuals affected with TIMM50-related conditions. Algorithms developed to predict the effect of missense changes on protein structure and function are either unavailable or do not agree on the potential impact of this missense change (SIFT: "Not Available"; PolyPhen-2: "Possibly Damaging"; Align-GVGD: "Not Available"). In summary, the available evidence is currently insufficient to determine the role of this variant in disease. Therefore, it has been classified as a Variant of Uncertain Significance.

NM_001001563.5(TIMM50):c.974G>T (p.Arg325Leu)

Gene: TIMM50 (translocase of inner mitochondrial membrane 50; plus strand). Cytogenetic location: 19q13.2.
Variant type: single nucleotide variant.
Coding change: c.974G>T on transcript NM_001001563.5 (MANE Select); coding-DNA position 974, G replaced by T.
Protein change: p.Arg325Leu; replaces arginine 325 with leucine.
Molecular consequence: missense variant.
Genome position (GRCh38, 1-based): chr19:39,489,732, G>T. VCF-style: chr19-39489732-G-T. GRCh37 (hg19) VCF-style: chr19-39980372-G-T.
Other names: c.635G>T, p.Arg212Leu (NM_001329559.2); short protein forms R212L, R325L.
Identifiers: ClinVar variation 2177528 (VCV002177528.4), dbSNP rs371263769, ClinGen allele CA405790818.